The following is an entry in ClinVar:

ClinVar aggregate classification (germline): Uncertain significance (1 of 4 stars; one submission).

Submission:

Labcorp Genetics (formerly Invitae), Labcorp
Classification: Uncertain significance. Last evaluated: 2024-08-13. Review status: criteria provided, single submitter. Criteria: Invitae Variant Classification Sherloc (09022015). Collection method: clinical testing. Allele origin: germline.
Comment: This sequence change replaces serine, which is neutral and polar, with proline, which is neutral and non-polar, at codon 375 of the BUB1 protein (p.Ser375Pro). This variant is not present in population databases (gnomAD no frequency). This variant has not been reported in the literature in individuals affected with BUB1-related conditions. An algorithm developed to predict the effect of missense changes on protein structure and function outputs the following: PolyPhen-2: "Not Available". The proline amino acid residue is found in multiple mammalian species, which suggests that this missense change does not adversely affect protein function. In summary, the available evidence is currently insufficient to determine the role of this variant in disease. Therefore, it has been classified as a Variant of Uncertain Significance.

NM_004336.5(BUB1):c.1123T>C (p.Ser375Pro)

Gene: BUB1 (BUB1 mitotic checkpoint serine/threonine kinase; minus strand). Cytogenetic location: 2q13.
Variant type: single nucleotide variant.
Coding change: c.1123T>C on transcript NM_004336.5 (MANE Select); coding-DNA position 1123, T replaced by C.
Protein change: p.Ser375Pro; replaces serine 375 with proline.
Molecular consequence: missense variant.
Genome position (GRCh38, 1-based): chr2:110,661,676, A>G on the plus strand (T>C on the coding strand, the complement: BUB1 is on the minus strand). VCF-style: chr2-110661676-A-G. GRCh37 (hg19) VCF-style: chr2-111419253-A-G.
Other names: c.1063T>C, p.Ser355Pro (NM_001278616.2); c.1123T>C, p.Ser375Pro (NM_001278617.2); short protein forms S375P, S355P.
Identifiers: ClinVar variation 3662221 (VCV003662221.2).